The following is an entry in ClinVar:

ClinVar aggregate classification (germline): Benign. Review status: criteria provided, multiple submitters, no conflicts (2 of 4 stars). 3 submissions from 2 submitters: Benign (3). Last evaluated 2018-01-13.

Conditions:
Amyotrophic lateral sclerosis type 4 (ALS4). Also called: AMYOTROPHIC LATERAL SCLEROSIS 4, JUVENILE; NEURONOPATHY, DISTAL HEREDITARY MOTOR, WITH PYRAMIDAL FEATURES. Identifiers: Orphanet 357043, MedGen C1865409, MONDO:0011223, OMIM 602433.
Spinocerebellar ataxia, autosomal recessive, with axonal neuropathy 2 (SCAN2). Also called: ATAXIA-OCULOMOTOR APRAXIA 2; Ataxia-ocular apraxia-2; Ataxia with Oculomotor Apraxia; Ataxia with Oculomotor Apraxia Type 2. Identifiers: Orphanet 64753, MedGen C1853761, MONDO:0018996, OMIM 606002.

Allele frequency attached by ClinVar (database versions not stated): TOPMed 0.16890; 1000 Genomes Project 30x 0.17536; 1000 Genomes Project 0.17871; gnomAD exomes 0.20000.
gnomAD v4.1: 24,939 of 152,142 alleles (16%); highest among the groups gnomAD compares: East Asian, 29%; 2,110 homozygotes.

Submissions (3):

Illumina Laboratory Services, Illumina
Classification: Benign for Spinocerebellar ataxia, autosomal recessive, with axonal neuropathy 2. Last evaluated: 2018-01-13. Review status: criteria provided, single submitter. Criteria: ICSL Variant Classification Criteria 13 December 2019. Collection method: clinical testing. Allele origin: germline.
Comment: This variant was observed in the ICSL laboratory as part of a predisposition screen in an ostensibly healthy population. It had not been previously curated by ICSL or reported in the Human Gene Mutation Database (HGMD: prior to June 1st, 2018), and was therefore a candidate for classification through an automated scoring system. Utilizing variant allele frequency, disease prevalence and penetrance estimates, and inheritance mode, an automated score was calculated to assess if this variant is too frequent to cause the disease. Based on the score and internal cut-off values, a variant classified as benign is not then subjected to further curation. The score for this variant resulted in a classification of benign for this disease.

Illumina Laboratory Services, Illumina
Classification: Benign for Amyotrophic lateral sclerosis type 4. Last evaluated: 2018-01-13. Review status: criteria provided, single submitter. Criteria: ICSL Variant Classification Criteria 13 December 2019. Collection method: clinical testing. Allele origin: germline.
Comment: the same text as in the submission from Illumina Laboratory Services, Illumina above.

Breakthrough Genomics
Classification: Benign. Review status: criteria provided, single submitter. Criteria: ACMG Guidelines, 2015. Collection method: not provided. Allele origin: germline. Inheritance: Autosomal recessive inheritance. Affected: yes.

NM_015046.7(SETX):c.*1368G>A

Gene: SETX (senataxin; minus strand). Cytogenetic location: 9q34.13.
Variant type: single nucleotide variant.
Coding change: c.*1368G>A on transcript NM_015046.7 (MANE Select); 1368 bases downstream of the stop codon, G replaced by A.
Molecular consequence: 3 prime UTR variant.
Genome position (GRCh38, 1-based): chr9:132,262,871, C>T on the plus strand (G>A on the coding strand, the complement: SETX is on the minus strand). VCF-style: chr9-132262871-C-T. GRCh37 (hg19) VCF-style: chr9-135138258-C-T.
Other names: c.*1368G>A (NM_001351527.2, NM_001351528.2).
Identifiers: ClinVar variation 365317 (VCV000365317.6), dbSNP rs7025, ClinGen allele CA10632573.
Genomic context (GRCh38, chr9:132,262,871, plus strand): 5'-CACATGAATCTTCAGCTATTTTCCTACCCCCAAATGAGATATGGGGCTGCACAGCATTCA[C>T]TACAGATCCCTAGTTTTTACAACTGTCAACTGTACATTCTCATGTTTAGGATACTCCAGT-3'